The following is an entry in ClinVar:

NM_006922.4(SCN3A):c.1712G>T (p.Arg571Leu)

Gene: SCN3A (sodium voltage-gated channel alpha subunit 3; minus strand). Cytogenetic location: 2q24.3.
Variant type: single nucleotide variant.
Coding change: c.1712G>T on transcript NM_006922.4 (MANE Select); coding-DNA position 1712, G replaced by T.
Protein change: p.Arg571Leu; replaces arginine 571 with leucine.
Molecular consequence: missense variant.
Genome position (GRCh38, 1-based): chr2:165,140,958, C>A on the plus strand (G>T on the coding strand, the complement: SCN3A is on the minus strand). VCF-style: chr2-165140958-C-A. GRCh37 (hg19) VCF-style: chr2-165997468-C-A.
Other names: c.1712G>T, p.Arg571Leu (NM_001081676.2, NM_001081677.2); short protein forms R571L.
Identifiers: ClinVar variation 2784455 (VCV002784455.3), dbSNP rs765013479, ClinGen allele CA349047121.

ClinVar aggregate classification (germline): Uncertain significance (1 of 4 stars; one submission).

gnomAD v4.1: 1 of 1,613,822 alleles (0.000062%); highest among the groups gnomAD compares: East Asian, 0.0022%; no homozygotes.

Submission:

Labcorp Genetics (formerly Invitae), Labcorp
Classification: Uncertain significance. Last evaluated: 2023-12-12. Review status: criteria provided, single submitter. Criteria: Invitae Variant Classification Sherloc (09022015). Collection method: clinical testing. Allele origin: germline.
Comment: This sequence change replaces arginine, which is basic and polar, with leucine, which is neutral and non-polar, at codon 571 of the SCN3A protein (p.Arg571Leu). This variant is not present in population databases (gnomAD no frequency). This variant has not been reported in the literature in individuals affected with SCN3A-related conditions. Advanced modeling of protein sequence and biophysical properties (such as structural, functional, and spatial information, amino acid conservation, physicochemical variation, residue mobility, and thermodynamic stability) has been performed at Invitae for this missense variant, however the output from this modeling did not meet the statistical confidence thresholds required to predict the impact of this variant on SCN3A protein function. In summary, the available evidence is currently insufficient to determine the role of this variant in disease. Therefore, it has been classified as a Variant of Uncertain Significance.